The following is an entry in ClinVar:

NM_000433.4(NCF2):c.157A>G (p.Met53Val)

Gene: NCF2 (neutrophil cytosolic factor 2; minus strand). Cytogenetic location: 1q25.3.
Variant type: single nucleotide variant.
Coding change: c.157A>G on transcript NM_000433.4 (MANE Select); coding-DNA position 157, A replaced by G.
Protein change: p.Met53Val; replaces methionine 53 with valine.
Molecular consequence: missense variant.
Genome position (GRCh38, 1-based): chr1:183,590,173, T>C on the plus strand (A>G on the coding strand, the complement: NCF2 is on the minus strand). VCF-style: chr1-183590173-T-C. GRCh37 (hg19) VCF-style: chr1-183559308-T-C.
Other names: c.157A>G, p.Met53Val (NM_001127651.3, NM_001190789.2, NM_001190794.2); short protein forms M53V.
Identifiers: ClinVar variation 947988 (VCV000947988.7), dbSNP rs993538958, ClinGen allele CA33992941.
Genomic context (GRCh38, chr1:183,590,173, plus strand): 5'-ACAAATGCACAGAGGAGGCCCGGAAAGAGGCACCTCCACTCACCTTCTCTGCTTCAGTCA[T>C]GTTCTTCAGGATAGTGTACATGCAGCCAATGTTGAAGCAAATCCGGGAGTGGGGGTCCTG-3'
Protein context (NP_000424.2, residues 43-63): IGCMYTILKN[Met53Val]TEAEKAFTRS

ClinVar aggregate classification (germline): Uncertain significance (1 of 4 stars; one submission).

Conditions:
Granulomatous disease, chronic, autosomal recessive, cytochrome b-positive, type 2. Also called: GRANULOMATOUS DISEASE, CHRONIC, AUTOSOMAL RECESSIVE, 2; Chronic granulomatous disease due to deficiency of NCF-2; Chronic Granulomatous Disease, Autosomal Recessive, Cytochrome b-Positive, Type II; GRANULOMATOUS DISEASE, CHRONIC, DUE TO NCF2 DEFICIENCY; CGD, AUTOSOMAL RECESSIVE CYTOCHROME b-POSITIVE, TYPE II. Identifiers: Orphanet 379, MedGen C1856245, MONDO:0009310, OMIM 233710.

Allele frequency attached by ClinVar (database versions not stated): gnomAD 0.00001; gnomAD exomes 0.00001; TOPMed 0.00005.
gnomAD v4.1: 5 of 1,614,058 alleles (0.00031%); highest among the groups gnomAD compares: Admixed American, 0.0067%; no homozygotes.

Submission:

Labcorp Genetics (formerly Invitae), Labcorp
Classification: Uncertain significance for Granulomatous disease, chronic, autosomal recessive, cytochrome b-positive, type 2. Last evaluated: 2021-08-26. Review status: criteria provided, single submitter. Criteria: Invitae Variant Classification Sherloc (09022015). Collection method: clinical testing. Allele origin: germline.
Comment: This sequence change replaces methionine with valine at codon 53 of the NCF2 protein (p.Met53Val). The methionine residue is weakly conserved and there is a small physicochemical difference between methionine and valine. This variant is not present in population databases (ExAC no frequency). This variant has not been reported in the literature in individuals affected with NCF2-related conditions. Algorithms developed to predict the effect of missense changes on protein structure and function are either unavailable or do not agree on the potential impact of this missense change (SIFT: "Deleterious"; PolyPhen-2: "Benign"; Align-GVGD: "Class C0"). Algorithms developed to predict the effect of sequence changes on RNA splicing suggest that this variant may create or strengthen a splice site. In summary, the available evidence is currently insufficient to determine the role of this variant in disease. Therefore, it has been classified as a Variant of Uncertain Significance.